The following is an entry in ClinVar:

ClinVar aggregate classification (germline): Conflicting classifications of pathogenicity. Review status: criteria provided, conflicting classifications (1 of 4 stars). 2 submissions from 2 submitters: Uncertain significance (1); Likely benign (1). Last evaluated 2026-01-05.

Conditions:
Cardiovascular phenotype. Identifiers: MedGen CN230736.

Allele frequency attached by ClinVar (database versions not stated): gnomAD 0.00001; gnomAD exomes 0.00003 and 0.00018; TOPMed 0.00004; ExAC 0.00012.
gnomAD v4.1: 47 of 1,614,032 alleles (0.0029%); highest among the groups gnomAD compares: Admixed American, 0.073%; no homozygotes.

Submissions (2):

Labcorp Genetics (formerly Invitae), Labcorp
Classification: Likely benign. Last evaluated: 2026-01-05. Review status: criteria provided, single submitter. Criteria: Invitae Variant Classification Sherloc (09022015). Collection method: clinical testing. Allele origin: germline.

Ambry Genetics
Classification: Uncertain significance for Cardiovascular phenotype. Last evaluated: 2024-09-17. Review status: criteria provided, single submitter. Criteria: Ambry Variant Classification Scheme 2023. Collection method: clinical testing. Allele origin: germline.
Comment: The p.W767C variant (also known as c.2301G>T), located in coding exon 15 of the ABCA1 gene, results from a G to T substitution at nucleotide position 2301. The tryptophan at codon 767 is replaced by cysteine, an amino acid with highly dissimilar properties. This amino acid position is conserved. In addition, this alteration is predicted to be deleterious by in silico analysis. Since supporting evidence is limited at this time, the clinical significance of this alteration remains unclear.

NM_005502.4(ABCA1):c.2301G>T (p.Trp767Cys)

Gene: ABCA1 (ATP binding cassette subfamily A member 1; minus strand). Cytogenetic location: 9q31.1.
Variant type: single nucleotide variant.
Coding change: c.2301G>T on transcript NM_005502.4 (MANE Select); coding-DNA position 2301, G replaced by T.
Protein change: p.Trp767Cys; replaces tryptophan 767 with cysteine.
Molecular consequence: missense variant.
Genome position (GRCh38, 1-based): chr9:104,826,984, C>A on the plus strand (G>T on the coding strand, the complement: ABCA1 is on the minus strand). VCF-style: chr9-104826984-C-A. GRCh37 (hg19) VCF-style: chr9-107589265-C-A.
Other names: short protein forms W767C.
Identifiers: ClinVar variation 1519931 (VCV001519931.9), dbSNP rs780611537, ClinGen allele CA5168770.